The following is an entry in ClinVar:

ClinVar aggregate classification (germline): Likely benign (1 of 4 stars; one submission).

Submission:

CeGaT Center for Human Genetics Tuebingen
Classification: Likely benign. Last evaluated: 2023-05-01. Review status: criteria provided, single submitter. Criteria: CeGaT Center For Human Genetics Tuebingen Variant Classification Criteria Version 2. Collection method: clinical testing. Allele origin: germline. Affected: yes. Observed: 3 variant alleles.
Comment: NKX2-1: BS1

NM_001079668.3(NKX2-1):c.*186_*187insCCACTC

Genes: NKX2-1 (NK2 homeobox 1; minus strand), SFTA3 (surfactant associated 3; minus strand). Cytogenetic location: 14q13.3.
Variant type: Insertion.
Coding change: c.*186_*187insCCACTC on transcript NM_001079668.3 (MANE Select); 186 bases downstream of the stop codon through 187 bases downstream of the stop codon, CCACTC inserted.
Molecular consequence: 3 prime UTR variant.
Genome position: GRCh38 VCF-style: chr14-36517091-A-AGAGTGG. GRCh37 (hg19) VCF-style: chr14-36986296-A-AGAGTGG.
Other names: c.*186_*187insCCACTC (NM_003317.4).
Identifiers: ClinVar variation 2644178 (VCV002644178.24), dbSNP rs1555349073, ClinGen allele CA258877677.
Genomic context (GRCh38, chr14:36,517,091, plus strand): 5'-ATTGGATGCGCTTGGTTGTTTTTCATTTTCTTTTTTTAAAAAAAAAAACCCACAAATTTT[A>AGAGTGG]GGGGGGGAAAAAAAGAAAGACGTCCAGCAGTTTGGCCTTTGTGGTTTTTTTGTTCCTTGG-3'